The following is an entry in ClinVar:

NM_003494.4(DYSF):c.1486C>T (p.Pro496Ser)

Gene: DYSF (dysferlin; plus strand). Cytogenetic location: 2p13.2.
Variant type: single nucleotide variant.
Coding change: c.1486C>T on transcript NM_003494.4 (MANE Plus Clinical); coding-DNA position 1486, C replaced by T.
Protein change: p.Pro496Ser; replaces proline 496 with serine.
Molecular consequence: missense variant. On other transcripts: intron variant (8).
Genome position (GRCh38, 1-based): chr2:71,549,355, C>T. VCF-style: chr2-71549355-C-T. GRCh37 (hg19) VCF-style: chr2-71776485-C-T.
Other names: c.1489C>T, p.Pro497Ser (NM_001130455.2, NM_001130983.2); c.1486C>T, p.Pro496Ser (NM_001130978.2); c.1579C>T, p.Pro527Ser (NM_001130979.2); c.1582C>T, p.Pro528Ser (NM_001130982.2); c.1574-1686C>T (NM_001130981.2, NM_001130980.2); c.1481-1686C>T (NM_001130977.2, NM_001130976.2); c.1577-1686C>T (NM_001130987.2, NM_001130985.2); c.1484-1686C>T (NM_001130984.2, NM_001130986.2); short protein forms P496S, P527S, P528S, P497S.
Identifiers: ClinVar variation 538639 (VCV000538639.5), dbSNP rs368577086, ClinGen allele CA1705840.

ClinVar aggregate classification (germline): Uncertain significance. Review status: criteria provided, single submitter (1 of 4 stars). 2 submissions from 2 submitters: Uncertain significance (1). 1 of the submissions does not count toward it. Last evaluated 2021-08-04.

Conditions:
Neuromuscular disease caused by qualitative or quantitative defects of dysferlin. Also called: Dysferlinopathy; Qualitative or quantitative defects of dysferlin. Identifiers: Orphanet 207073, MedGen C2931687, MONDO:0016145.
Autosomal recessive limb-girdle muscular dystrophy type 2B (LGMDR2). Also called: Limb-girdle muscular dystrophy, type 2B; MUSCULAR DYSTROPHY, LIMB-GIRDLE, TYPE 3; Limb-Girdle Muscular Dystrophy Type 2B (LGMD2B); MUSCULAR DYSTROPHY, LIMB-GIRDLE, AUTOSOMAL RECESSIVE 2. Identifiers: Orphanet 268, MedGen C1850889, MONDO:0009676, OMIM 253601.

Allele frequency attached by ClinVar (database versions not stated): TOPMed 0.00001.
gnomAD v4.1: 4 of 1,612,738 alleles (0.00025%); highest among the groups gnomAD compares: Non-Finnish European, 0.00034%; no homozygotes.

Submissions (2):

Labcorp Genetics (formerly Invitae), Labcorp
Classification: Uncertain significance for Neuromuscular disease caused by qualitative or quantitative defects of dysferlin. Last evaluated: 2021-08-04. Review status: criteria provided, single submitter. Criteria: Invitae Variant Classification Sherloc (09022015). Collection method: clinical testing. Allele origin: germline.
Comment: This sequence change replaces proline with serine at codon 496 of the DYSF protein (p.Pro496Ser). The proline residue is weakly conserved and there is a moderate physicochemical difference between proline and serine. This variant is present in population databases (rs368577086, ExAC 0.004%). This variant has not been reported in the literature in individuals affected with DYSF-related conditions. Algorithms developed to predict the effect of missense changes on protein structure and function (SIFT, PolyPhen-2, Align-GVGD) all suggest that this variant is likely to be tolerated. In summary, the available evidence is currently insufficient to determine the role of this variant in disease. Therefore, it has been classified as a Variant of Uncertain Significance.

Natera, Inc.
Classification: Uncertain significance for Limb-girdle muscular dystrophy type 2B. Last evaluated: 2019-11-11. Review status: no assertion criteria provided. Collection method: clinical testing. Allele origin: germline. Not counted in ClinVar's aggregate classification.